The following is an entry in ClinVar:

NM_203446.3(SYNJ1):c.1952+1G>A

Gene: SYNJ1 (synaptojanin 1; minus strand). Cytogenetic location: 21q22.11.
Variant type: single nucleotide variant.
Coding change: c.1952+1G>A on transcript NM_203446.3 (MANE Select); the canonical splice donor site of the intron after coding-DNA position 1952, G replaced by A.
Molecular consequence: splice donor variant.
Genome position (GRCh38, 1-based): chr21:32,666,432, C>T on the plus strand (G>A on the coding strand, the complement: SYNJ1 is on the minus strand). VCF-style: chr21-32666432-C-T. GRCh37 (hg19) VCF-style: chr21-34038742-C-T.
Other names: c.2069+1G>A (NM_003895.4); c.1952+1G>A (NM_001160302.2); c.1937+1G>A (NM_001160306.2).
Identifiers: ClinVar variation 2257808 (VCV002257808.2), dbSNP rs2517638306, ClinGen allele CA410080242.
Genomic context (GRCh38, chr21:32,666,432, plus strand): 5'-GGCTTTTTTCTTGTTATTTAATGGTAGGAAGTAGCCTTAGAGGAGTGTTCTGTTTACTGA[C>T]CTGATAAAAGGAGCATGCTGTGGTCTGATAAAAACAAACAAACAGACGCCCACCAACTGT-3'

ClinVar aggregate classification (germline): Uncertain significance (1 of 4 stars; one submission).

Conditions:
Inborn genetic diseases. Identifiers: MedGen C0950123, MeSH D030342.

Submission:

Ambry Genetics
Classification: Uncertain significance for Inborn genetic diseases. Last evaluated: 2021-11-11. Review status: criteria provided, single submitter. Criteria: Ambry Variant Classification Scheme 2023. Collection method: clinical testing. Allele origin: germline.
Comment: Resulting transcript is predicted to be in-frame and is not expected to trigger nonsense-mediated mRNA decay Based on insufficient or conflicting evidence, the clinical significance of this alteration remains unclear.